The following is an entry in ClinVar:

NM_001083962.2(TCF4):c.232G>A (p.Asp78Asn)

Genes: TCF4 (transcription factor 4; minus strand), TCF4-AS1 (TCF4 antisense RNA 1; plus strand). Cytogenetic location: 18q21.2.
Variant type: single nucleotide variant.
Coding change: c.232G>A on transcript NM_001083962.2 (MANE Select); coding-DNA position 232, G replaced by A.
Protein change: p.Asp78Asn; replaces aspartic acid 78 with asparagine.
Molecular consequence: missense variant.
Genome position (GRCh38, 1-based): chr18:55,461,091, C>T on the plus strand (G>A on the coding strand, the complement: TCF4 is on the minus strand). VCF-style: chr18-55461091-C-T. GRCh37 (hg19) VCF-style: chr18-53128322-C-T.
Other names: c.538G>A, p.Asp180Asn (NM_001243226.3); c.160G>A, p.Asp54Asn (NM_001243227.2, NM_001306207.1, NM_001348217.1 and 15 more transcripts); c.232G>A, p.Asp78Asn (NM_001243228.2, NM_001330604.3, NM_001369567.1 and 8 more transcripts); c.226G>A, p.Asp76Asn (NM_001243230.2); c.106G>A, p.Asp36Asn (NM_001243231.2, NM_001348211.2); short protein forms D180N, D36N, D54N, D76N, D78N.
Identifiers: ClinVar variation 4536481 (VCV004536481.1).

ClinVar aggregate classification (germline): Uncertain significance (1 of 4 stars; one submission).

Submission:

GeneDx
Classification: Uncertain significance. Last evaluated: 2025-06-06. Review status: criteria provided, single submitter. Criteria: GeneDx Variant Classification Process June 2021. Collection method: clinical testing. Allele origin: germline. Affected: yes.
Comment: Not observed at significant frequency in large population cohorts (gnomAD); In silico analysis suggests that this missense variant does not alter protein structure/function; Has not been previously published as pathogenic or benign to our knowledge